The following is an entry in ClinVar:

NM_024596.5(MCPH1):c.1785T>C (p.Ser595=)

Gene: MCPH1 (microcephalin 1; plus strand). Cytogenetic location: 8p23.1.
Variant type: single nucleotide variant.
Coding change: c.1785T>C on transcript NM_024596.5 (MANE Select); coding-DNA position 1785, T replaced by C.
Protein change: p.Ser595=; no amino-acid change (serine 595 retained).
Molecular consequence: synonymous variant. On other transcripts: non-coding transcript variant (1).
Genome position (GRCh38, 1-based): chr8:6,445,507, T>C. VCF-style: chr8-6445507-T-C. GRCh37 (hg19) VCF-style: chr8-6303028-T-C.
Other names: c.1785T>C, p.Ser595= (NM_001172574.2, NM_001322042.2, NM_001363979.1 and 1 more transcripts); c.1641T>C, p.Ser547= (NM_001172575.2); c.1779T>C, p.Ser593= (NM_001322043.2); c.1683T>C, p.Ser561= (NM_001322045.2).
Identifiers: ClinVar variation 435832 (VCV000435832.45), dbSNP rs146744659, ClinGen allele CA4610643.
Genomic context (GRCh38, chr8:6,445,507, plus strand): 5'-AGGCGAAGCCCAGAGTGAACATGAGCCATGTTTTATAGTTGACTGTAACATGGAGACGTC[T>C]ACAGAAGAGAAGGAAAACTTACCCGGAGGATACAGTGGAAGTATGTGAATCTCCTTTTCC-3'
Protein context (NP_078872.3, residues 585-605): CFIVDCNMET[Ser595=]TEEKENLPGG

ClinVar aggregate classification (germline): Conflicting classifications of pathogenicity. Review status: criteria provided, conflicting classifications (1 of 4 stars). 6 submissions from 6 submitters: Uncertain significance (1); Benign (1); Likely benign (4). Last evaluated 2026-01-31.

Conditions:
Microcephaly 1, primary, autosomal recessive (MCPH1). Also called: PREMATURE CHROMOSOME CONDENSATION SYNDROME; PCC SYNDROME; PREMATURE CHROMOSOME CONDENSATION WITH MICROCEPHALY AND MENTAL RETARDATION. Identifiers: Orphanet 2512, MedGen C1855081, MONDO:0009617, OMIM 251200.

Allele frequency attached by ClinVar (database versions not stated): gnomAD 0.00035 and 0.00040; gnomAD exomes 0.00037 and 0.00046; ExAC 0.00045; TOPMed 0.00045; ESP Exome Variant Server 0.00059; 1000 Genomes Project 0.00060; 1000 Genomes Project 30x 0.00062.
gnomAD v4.1: 713 of 1,609,816 alleles (0.044%); highest among the groups gnomAD compares: Middle Eastern, 0.13%; no homozygotes.

Submissions (6):

Labcorp Genetics (formerly Invitae), Labcorp
Classification: Benign. Last evaluated: 2026-01-31. Review status: criteria provided, single submitter. Criteria: Invitae Variant Classification Sherloc (09022015). Collection method: clinical testing. Allele origin: germline.

Blueprint Genetics
Classification: Likely benign. Last evaluated: 2024-11-06. Review status: criteria provided, single submitter. Criteria: ACMG Guidelines, 2015. Collection method: clinical testing. Allele origin: germline.

CeGaT Center for Human Genetics Tuebingen
Classification: Likely benign. Last evaluated: 2023-12-01. Review status: criteria provided, single submitter. Criteria: CeGaT Center For Human Genetics Tuebingen Variant Classification Criteria Version 2. Collection method: clinical testing. Allele origin: germline. Affected: yes. Observed: 2 variant alleles.
Comment: MCPH1: BP4, BP7

GeneDx
Classification: Likely benign. Last evaluated: 2018-05-18. Review status: criteria provided, single submitter. Criteria: GeneDx Variant Classification (06012015). Collection method: clinical testing. Allele origin: germline. Affected: yes.
Comment: This variant is considered likely benign or benign based on one or more of the following criteria: it is a conservative change, it occurs at a poorly conserved position in the protein, it is predicted to be benign by multiple in silico algorithms, and/or has population frequency not consistent with disease.

Illumina Laboratory Services, Illumina
Classification: Uncertain significance for Microcephaly 1, primary, autosomal recessive. Last evaluated: 2018-01-12. Review status: criteria provided, single submitter. Criteria: ICSL Variant Classification Criteria 13 December 2019. Collection method: clinical testing. Allele origin: germline.

Genetic Services Laboratory, University of Chicago
Classification: Likely benign. Last evaluated: 2016-03-07. Review status: criteria provided, single submitter. Criteria: ACMG Guidelines, 2015. Collection method: clinical testing. Allele origin: germline. Affected: no.